The following is an entry in ClinVar:

NM_207122.2(EXT2):c.996C>T (p.Ser332=)

Gene: EXT2 (exostosin glycosyltransferase 2; plus strand). Cytogenetic location: 11p11.2.
Variant type: single nucleotide variant.
Coding change: c.996C>T on transcript NM_207122.2 (MANE Select); coding-DNA position 996, C replaced by T.
Protein change: p.Ser332=; no amino-acid change (serine 332 retained).
Molecular consequence: synonymous variant.
Genome position (GRCh38, 1-based): chr11:44,126,872, C>T. VCF-style: chr11-44126872-C-T. GRCh37 (hg19) VCF-style: chr11-44148422-C-T.
Other names: p.Ser332=; c.1095C>T, p.Ser365= (NM_000401.3); c.996C>T, p.Ser332= (NM_001178083.3, NM_001389628.1, NM_001389630.1); c.996C>T (NM_207122.1).
Identifiers: ClinVar variation 1599188 (VCV001599188.9), dbSNP rs142692757, ClinGen allele CA5955068.

ClinVar aggregate classification (germline): Benign/Likely benign. Review status: criteria provided, multiple submitters, no conflicts (2 of 4 stars). 2 submissions from 2 submitters: Benign (1); Likely benign (1). Last evaluated 2026-01-12.

Conditions:
Exostoses, multiple, type 2 (EXT2). Also called: Hereditary Multiple Osteochondromatosis, Type II; EXOSTOSES, MULTIPLE, TYPE II. Identifiers: Orphanet 321, MedGen C1851413, MONDO:0007586, OMIM 133701.

Allele frequency attached by ClinVar (database versions not stated): gnomAD 0.00004 and 0.00005; TOPMed 0.00006; ESP Exome Variant Server 0.00008.
gnomAD v4.1: 53 of 1,613,996 alleles (0.0033%); highest among the groups gnomAD compares: Admixed American, 0.062%; no homozygotes.

Submissions (2):

Labcorp Genetics (formerly Invitae), Labcorp
Classification: Benign for Exostoses, multiple, type 2. Last evaluated: 2026-01-12. Review status: criteria provided, single submitter. Criteria: Invitae Variant Classification Sherloc (09022015). Collection method: clinical testing. Allele origin: germline.

Mayo Clinic Laboratories, Mayo Clinic
Classification: Likely benign. Last evaluated: 2025-05-16. Review status: criteria provided, single submitter. Criteria: ACMG Guidelines, 2015. Collection method: clinical testing. Allele origin: germline. Observed: 1 variant allele.
Comment: BP4, BP7